The following is an entry in ClinVar:

NM_000414.4(HSD17B4):c.2122-9T>C

Gene: HSD17B4 (hydroxysteroid 17-beta dehydrogenase 4; plus strand). Cytogenetic location: 5q23.1.
Variant type: single nucleotide variant.
Coding change: c.2122-9T>C on transcript NM_000414.4 (MANE Select); 9 bases into the intron before coding-DNA position 2122, T replaced by C.
Molecular consequence: intron variant.
Genome position (GRCh38, 1-based): chr5:119,541,896, T>C. VCF-style: chr5-119541896-T-C. GRCh37 (hg19) VCF-style: chr5-118877591-T-C.
Other names: c.1711-9T>C (NM_001374503.1, NM_001374502.1, NM_001374501.1); c.2197-9T>C (NM_001199291.3); c.1795-9T>C (NM_001374499.1); c.1681-9T>C (NM_001374500.1); c.1702-9T>C (NM_001292028.2); c.2050-9T>C (NM_001292027.2, NM_001374498.1); c.2113-9T>C (NM_001374497.1); c.2068-9T>C (NM_001199292.2).
Identifiers: ClinVar variation 760529 (VCV000760529.14), dbSNP rs573283226, ClinGen allele CA3382528.

ClinVar aggregate classification (germline): Likely benign. Review status: criteria provided, single submitter (1 of 4 stars). 3 submissions from 3 submitters: Likely benign (1). 2 of the submissions do not count toward it. Last evaluated 2026-01-05.

Conditions:
Bifunctional peroxisomal enzyme deficiency (DBIF). Also called: PBFE DEFICIENCY; DBP DEFICIENCY; D-bifunctional protein deficiency. Identifiers: Orphanet 300, MedGen C0342870, MONDO:0009855, OMIM 261515. Disease mechanism: loss of function.
HSD17B4-related disorder. Also called: HSD17B4-related disorders; HSD17B4-related condition.
Perrault syndrome. Also called: Gonadal dysgenesis with auditory dysfunction, autosomal recessive inheritance. Identifiers: Orphanet 2855, MedGen C0685838, MONDO:0017312.

Allele frequency attached by ClinVar (database versions not stated): gnomAD below 0.00001 and 0.00007; gnomAD exomes 0.00011 and 0.00022; ExAC 0.00022; 1000 Genomes Project 0.00040; 1000 Genomes Project 30x 0.00047.
gnomAD v4.1: 164 of 1,572,418 alleles (0.01%); highest among the groups gnomAD compares: South Asian, 0.18%; no homozygotes.

Submissions (3):

Labcorp Genetics (formerly Invitae), Labcorp
Classification: Likely benign for Perrault syndrome; Bifunctional peroxisomal enzyme deficiency. Last evaluated: 2026-01-05. Review status: criteria provided, single submitter. Criteria: Invitae Variant Classification Sherloc (09022015). Collection method: clinical testing. Allele origin: germline.

Natera, Inc.
Classification: Uncertain significance for Bifunctional peroxisomal enzyme deficiency. Last evaluated: 2020-01-08. Review status: no assertion criteria provided. Collection method: clinical testing. Allele origin: germline. Not counted in ClinVar's aggregate classification.

PreventionGenetics, part of Exact Sciences
Classification: Likely benign for HSD17B4-related condition. Last evaluated: 2019-05-01. Review status: no assertion criteria provided. Collection method: clinical testing. Allele origin: germline. Not counted in ClinVar's aggregate classification.
Comment: This variant is classified as likely benign based on ACMG/AMP sequence variant interpretation guidelines (Richards et al. 2015 PMID: 25741868, with internal and published modifications).